The following is an entry in ClinVar:

NM_025114.4(CEP290):c.3257C>T (p.Ser1086Leu)

Gene: CEP290 (centrosomal protein 290; minus strand). Cytogenetic location: 12q21.32.
Variant type: single nucleotide variant.
Coding change: c.3257C>T on transcript NM_025114.4 (MANE Select); coding-DNA position 3257, C replaced by T.
Protein change: p.Ser1086Leu; replaces serine 1086 with leucine.
Molecular consequence: missense variant.
Genome position (GRCh38, 1-based): chr12:88,093,822, G>A on the plus strand (C>T on the coding strand, the complement: CEP290 is on the minus strand). VCF-style: chr12-88093822-G-A. GRCh37 (hg19) VCF-style: chr12-88487599-G-A.
Other names: short protein forms S1086L.
Identifiers: ClinVar variation 1345866 (VCV001345866.6), dbSNP rs760934388, ClinGen allele CA6712185.

ClinVar aggregate classification (germline): Uncertain significance. Review status: criteria provided, multiple submitters, no conflicts (2 of 4 stars). 2 submissions from 2 submitters: Uncertain significance (2). Last evaluated 2021-09-17.

Conditions:
Joubert syndrome. Also called: CEREBELLOPARENCHYMAL DISORDER IV; JOUBERT-BOLTSHAUSER SYNDROME; Familial aplasia of the vermis. Identifiers: Orphanet 475, MedGen C5979921, MONDO:0018772.
Nephronophthisis. Also called: Juvenile Nephronophthisis. Identifiers: Orphanet 655, MedGen C0687120, MONDO:0019005, HP:0000090.
Meckel-Gruber syndrome. Also called: DYSENCEPHALIA SPLANCHNOCYSTICA; GRUBER SYNDROME; Dysencephalia splachnocystica. Identifiers: Orphanet 564, MedGen C0265215, MONDO:0018921.
Senior-Loken syndrome 6 (SLSN6). Identifiers: Orphanet 3156, MedGen C1857779, MONDO:0012433, OMIM 610189.
Joubert syndrome 5 (JBTS5). Identifiers: Orphanet 2318, MedGen C1857780, MONDO:0012432, OMIM 610188.
Bardet-Biedl syndrome 14 (BBS14). Identifiers: Orphanet 110, MedGen C2673874, MONDO:0014442, OMIM 615991.
Leber congenital amaurosis 10 (LCA10). Identifiers: Orphanet 65, MedGen C1857821, MONDO:0012723, OMIM 611755.
Meckel syndrome, type 4 (MKS4). Also called: MECKEL-GRUBER SYNDROME, TYPE 4. Identifiers: Orphanet 564, MedGen C1970161, MONDO:0012626, OMIM 611134.

Allele frequency attached by ClinVar (database versions not stated): ExAC 0.00002; gnomAD exomes 0.00001.
gnomAD v4.1: 7 of 1,612,388 alleles (0.00043%); highest among the groups gnomAD compares: East Asian, 0.0045%; no homozygotes.

Submissions (2):

Labcorp Genetics (formerly Invitae), Labcorp
Classification: Uncertain significance for Joubert syndrome; Meckel-Gruber syndrome; Nephronophthisis. Last evaluated: 2021-09-17. Review status: criteria provided, single submitter. Criteria: Invitae Variant Classification Sherloc (09022015). Collection method: clinical testing. Allele origin: germline.
Comment: This sequence change replaces serine with leucine at codon 1086 of the CEP290 protein (p.Ser1086Leu). The serine residue is moderately conserved and there is a large physicochemical difference between serine and leucine. This variant is present in population databases (rs760934388, ExAC 0.007%). This variant has not been reported in the literature in individuals affected with CEP290-related conditions. Algorithms developed to predict the effect of missense changes on protein structure and function are either unavailable or do not agree on the potential impact of this missense change (SIFT: "Deleterious"; PolyPhen-2: "Possibly Damaging"; Align-GVGD: "Class C0"). In summary, the available evidence is currently insufficient to determine the role of this variant in disease. Therefore, it has been classified as a Variant of Uncertain Significance.

Fulgent Genetics
Classification: Uncertain significance for Joubert syndrome 5; Senior-Loken syndrome 6; Meckel syndrome, type 4; Leber congenital amaurosis 10; Bardet-Biedl syndrome 14. Last evaluated: 2021-07-27. Review status: criteria provided, single submitter. Criteria: ACMG Guidelines, 2015. Collection method: clinical testing. Allele origin: unknown.